The following is an entry in ClinVar:

ClinVar aggregate classification (germline): Uncertain significance (1 of 4 stars; one submission).

Conditions:
Long QT syndrome (LQTS). Identifiers: MedGen C0023976, MeSH D008133, MONDO:0002442. Disease mechanism: loss of function. Inheritance: Various modes of inheritance.

Allele frequency attached by ClinVar (database versions not stated): TOPMed below 0.00001; gnomAD 0.00001; gnomAD exomes 0.00001.
gnomAD v4.1: 3 of 1,362,150 alleles (0.00022%); highest among the groups gnomAD compares: Non-Finnish European, 0.00028%; no homozygotes.

Submission:

Labcorp Genetics (formerly Invitae), Labcorp
Classification: Uncertain significance for Long QT syndrome. Last evaluated: 2022-10-17. Review status: criteria provided, single submitter. Criteria: Invitae Variant Classification Sherloc (09022015). Collection method: clinical testing. Allele origin: germline.
Comment: The frequency data for this variant in the population databases is considered unreliable, as metrics indicate poor data quality at this position in the gnomAD database. This sequence change replaces alanine, which is neutral and non-polar, with valine, which is neutral and non-polar, at codon 65 of the KCNQ1 protein (p.Ala65Val). This variant has not been reported in the literature in individuals affected with KCNQ1-related conditions. In summary, the available evidence is currently insufficient to determine the role of this variant in disease. Therefore, it has been classified as a Variant of Uncertain Significance. Advanced modeling of protein sequence and biophysical properties (such as structural, functional, and spatial information, amino acid conservation, physicochemical variation, residue mobility, and thermodynamic stability) performed at Invitae indicates that this missense variant is not expected to disrupt KCNQ1 protein function.

NM_000218.3(KCNQ1):c.194C>T (p.Ala65Val)

Gene: KCNQ1 (potassium voltage-gated channel subfamily Q member 1; plus strand). Cytogenetic location: 11p15.5.
Variant type: single nucleotide variant.
Coding change: c.194C>T on transcript NM_000218.3 (MANE Select); coding-DNA position 194, C replaced by T.
Protein change: p.Ala65Val; replaces alanine 65 with valine.
Molecular consequence: missense variant.
Genome position (GRCh38, 1-based): chr11:2,445,292, C>T. VCF-style: chr11-2445292-C-T. GRCh37 (hg19) VCF-style: chr11-2466522-C-T.
Other names: c.194C>T, p.Ala65Val (NM_001406836.1, NM_001406838.1); c.-169C>T (NM_001406837.1); short protein forms A65V.
Identifiers: ClinVar variation 1982230 (VCV001982230.2), dbSNP rs2522019, ClinGen allele CA216292657.